The following is an entry in ClinVar:

NM_153827.5(MINK1):c.1950C>G (p.Pro650=)

Gene: MINK1 (misshapen like kinase 1; plus strand). Cytogenetic location: 17p13.2.
Variant type: single nucleotide variant.
Coding change: c.1950C>G on transcript NM_153827.5 (MANE Select); coding-DNA position 1950, C replaced by G.
Protein change: p.Pro650=; no amino-acid change (proline 650 retained).
Molecular consequence: synonymous variant.
Genome position (GRCh38, 1-based): chr17:4,891,665, C>G. VCF-style: chr17-4891665-C-G. GRCh37 (hg19) VCF-style: chr17-4794960-C-G.
Other names: c.1890C>G, p.Pro630= (NM_001024937.4); c.1785C>G, p.Pro595= (NM_001321236.2); c.1950C>G, p.Pro650= (NM_015716.5, NM_170663.5).
Identifiers: ClinVar variation 2647273 (VCV002647273.24), dbSNP rs201027643, ClinGen allele CA8312811.

ClinVar aggregate classification (germline): Likely benign (1 of 4 stars; one submission).

Allele frequency attached by ClinVar (database versions not stated): 1000 Genomes Project 30x 0.00094; 1000 Genomes Project 0.00100.
gnomAD v4.1: 769 of 1,600,584 alleles (0.048%); highest among the groups gnomAD compares: South Asian, 0.79%; 10 homozygotes.

Submission:

CeGaT Center for Human Genetics Tuebingen
Classification: Likely benign. Last evaluated: 2022-09-01. Review status: criteria provided, single submitter. Criteria: CeGaT Center For Human Genetics Tuebingen Variant Classification Criteria Version 2. Collection method: clinical testing. Allele origin: germline. Affected: yes. Observed: 1 variant allele.
Comment: MINK1: BP4, BP7